The following is an entry in ClinVar:

ClinVar aggregate classification (germline): Uncertain significance (1 of 4 stars; one submission).

Allele frequency attached by ClinVar (database versions not stated): gnomAD exomes below 0.00001.
gnomAD v4.1: 1 of 1,614,084 alleles (0.000062%); highest among the groups gnomAD compares: Non-Finnish European, 0.000085%; no homozygotes.

Submission:

Labcorp Genetics (formerly Invitae), Labcorp
Classification: Uncertain significance. Last evaluated: 2022-06-20. Review status: criteria provided, single submitter. Criteria: Invitae Variant Classification Sherloc (09022015). Collection method: clinical testing. Allele origin: germline.
Comment: In summary, the available evidence is currently insufficient to determine the role of this variant in disease. Therefore, it has been classified as a Variant of Uncertain Significance. Advanced modeling of protein sequence and biophysical properties (such as structural, functional, and spatial information, amino acid conservation, physicochemical variation, residue mobility, and thermodynamic stability) performed at Invitae indicates that this missense variant is not expected to disrupt COL4A4 protein function. This variant has not been reported in the literature in individuals affected with COL4A4-related conditions. This variant is present in population databases (no rsID available, gnomAD 0.0009%). This sequence change replaces valine, which is neutral and non-polar, with isoleucine, which is neutral and non-polar, at codon 564 of the COL4A4 protein (p.Val564Ile).

NM_000092.5(COL4A4):c.1690G>A (p.Val564Ile)

Gene: COL4A4 (collagen type IV alpha 4 chain; minus strand). Cytogenetic location: 2q36.3.
Variant type: single nucleotide variant.
Coding change: c.1690G>A on transcript NM_000092.5 (MANE Select); coding-DNA position 1690, G replaced by A.
Protein change: p.Val564Ile; replaces valine 564 with isoleucine.
Molecular consequence: missense variant.
Genome position (GRCh38, 1-based): chr2:227,082,121, C>T on the plus strand (G>A on the coding strand, the complement: COL4A4 is on the minus strand). VCF-style: chr2-227082121-C-T. GRCh37 (hg19) VCF-style: chr2-227946837-C-T.
Other names: short protein forms V564I.
Identifiers: ClinVar variation 2183086 (VCV002183086.4), dbSNP rs1262560467, ClinGen allele CA350847573.